The following is an entry in ClinVar:

ClinVar aggregate classification (germline): Uncertain significance (1 of 4 stars; one submission).

Allele frequency attached by ClinVar (database versions not stated): gnomAD 0.00001; TOPMed 0.00001.

Submission:

Labcorp Genetics (formerly Invitae), Labcorp
Classification: Uncertain significance. Last evaluated: 2022-10-13. Review status: criteria provided, single submitter. Criteria: Invitae Variant Classification Sherloc (09022015). Collection method: clinical testing. Allele origin: germline.
Comment: This sequence change replaces proline, which is neutral and non-polar, with serine, which is neutral and polar, at codon 96 of the P3H2 protein (p.Pro96Ser). This variant is not present in population databases (gnomAD no frequency). This variant has not been reported in the literature in individuals affected with P3H2-related conditions. ClinVar contains an entry for this variant (Variation ID: 957259). Algorithms developed to predict the effect of missense changes on protein structure and function are either unavailable or do not agree on the potential impact of this missense change (SIFT: "Deleterious"; PolyPhen-2: "Not Available"; Align-GVGD: "Class C0"). In summary, the available evidence is currently insufficient to determine the role of this variant in disease. Therefore, it has been classified as a Variant of Uncertain Significance.

NM_018192.4(P3H2):c.286C>T (p.Pro96Ser)

Genes: P3H2 (prolyl 3-hydroxylase 2; minus strand), LOC129938149 (ATAC-STARR-seq lymphoblastoid silent region 14999; plus strand). Cytogenetic location: 3q28.
Variant type: single nucleotide variant.
Coding change: c.286C>T on transcript NM_018192.4 (MANE Select); coding-DNA position 286, C replaced by T.
Protein change: p.Pro96Ser; replaces proline 96 with serine.
Molecular consequence: missense variant. On other transcripts: intron variant (1).
Genome position (GRCh38, 1-based): chr3:190,120,446, G>A on the plus strand (C>T on the coding strand, the complement: P3H2 is on the minus strand). VCF-style: chr3-190120446-G-A. GRCh37 (hg19) VCF-style: chr3-189838235-G-A.
Other names: c.-64+1757C>T (NM_001134418.2); short protein forms P96S.
Identifiers: ClinVar variation 957259 (VCV000957259.4), dbSNP rs1375801184, ClinGen allele CA355859791.
Genomic context (GRCh38, chr3:190,120,446, plus strand): 5'-GCCCCAACAAGGAGCGGAAAAGGGGCAGCTCAGCGCCGGGGCCCTCGCCGGGGGGCGGGG[G>A]CGGGAGCGGGTGGCGCGCCGCGCAGTGGCGGGCACAGCGCGTGCGGATTTCCCGCAGGCG-3'
Protein context (NP_060662.2, residues 86-106): RHCAARHPLP[Pro96Ser]PPPGEGPGAE